The following is an entry in ClinVar:

ClinVar aggregate classification (germline): Uncertain significance (1 of 4 stars; one submission).

gnomAD v4.1: 1 of 1,614,022 alleles (0.000062%); highest among the groups gnomAD compares: Non-Finnish European, 0.000085%; no homozygotes.

Submission:

GeneDx
Classification: Uncertain significance. Last evaluated: 2023-01-18. Review status: criteria provided, single submitter. Criteria: GeneDx Variant Classification Process June 2021. Collection method: clinical testing. Allele origin: germline. Affected: yes.
Comment: Not observed at significant frequency in large population cohorts (gnomAD); In silico analysis supports that this missense variant has a deleterious effect on protein structure/function; Has not been previously published as pathogenic or benign to our knowledge

NM_144991.3(TSPEAR):c.1372T>C (p.Trp458Arg)

Gene: TSPEAR (thrombospondin type laminin G domain and EAR repeats; minus strand). Cytogenetic location: 21q22.3.
Variant type: single nucleotide variant.
Coding change: c.1372T>C on transcript NM_144991.3 (MANE Select); coding-DNA position 1372, T replaced by C.
Protein change: p.Trp458Arg; replaces tryptophan 458 with arginine.
Molecular consequence: missense variant.
Genome position (GRCh38, 1-based): chr21:44,522,077, A>G on the plus strand (T>C on the coding strand, the complement: TSPEAR is on the minus strand). VCF-style: chr21-44522077-A-G. GRCh37 (hg19) VCF-style: chr21-45941960-A-G.
Other names: c.1168T>C, p.Trp390Arg (NM_001272037.2); short protein forms W390R, W458R.
Identifiers: ClinVar variation 2573747 (VCV002573747.1), dbSNP rs782168687, ClinGen allele CA410437571.